The following is an entry in ClinVar:

ClinVar aggregate classification (germline): Uncertain significance. Review status: criteria provided, multiple submitters, no conflicts (2 of 4 stars). 3 submissions from 3 submitters: Uncertain significance (3). Last evaluated 2025-07-29.

Conditions:
Hereditary cancer-predisposing syndrome. Also called: Neoplastic Syndromes, Hereditary; Hereditary neoplastic syndrome; Hereditary Cancer Syndrome; Tumor predisposition. Identifiers: Orphanet 140162, MedGen C0027672, MeSH D009386, MONDO:0015356.
Familial adenomatous polyposis 1 (FAP1). Also called: FAMILIAL ADENOMATOUS POLYPOSIS 1, ATTENUATED; POLYPOSIS, ADENOMATOUS INTESTINAL. Identifiers: MedGen C2713442, MONDO:0021056, OMIM 175100. Disease mechanism: loss of function.

Submissions (3):

Color Diagnostics, LLC DBA Color Health
Classification: Uncertain significance for Hereditary cancer-predisposing syndrome. Last evaluated: 2025-07-29. Review status: criteria provided, single submitter. Criteria: ACMG Guidelines, 2015. Collection method: clinical testing. Allele origin: germline.
Comment: This missense variant replaces glycine with glutamic acid at codon 2735 of the APC protein. Computational prediction suggests that this variant may not impact protein structure and function. To our knowledge, functional studies have not been reported for this variant. This variant has not been reported in individuals affected with APC-related disorders in the literature. This variant has not been identified in the general population by the Genome Aggregation Database (gnomAD). The available evidence is insufficient to determine the role of this variant in disease conclusively. Therefore, this variant is classified as a Variant of Uncertain Significance.

Labcorp Genetics (formerly Invitae), Labcorp
Classification: Uncertain significance for Familial adenomatous polyposis 1. Last evaluated: 2024-01-30. Review status: criteria provided, single submitter. Criteria: Invitae Variant Classification Sherloc (09022015). Collection method: clinical testing. Allele origin: germline.
Comment: This sequence change replaces glycine, which is neutral and non-polar, with glutamic acid, which is acidic and polar, at codon 2735 of the APC protein (p.Gly2735Glu). This variant is not present in population databases (gnomAD no frequency). This variant has not been reported in the literature in individuals affected with APC-related conditions. ClinVar contains an entry for this variant (Variation ID: 1809543). Advanced modeling of protein sequence and biophysical properties (such as structural, functional, and spatial information, amino acid conservation, physicochemical variation, residue mobility, and thermodynamic stability) performed at Invitae indicates that this missense variant is not expected to disrupt APC protein function with a negative predictive value of 95%. In summary, the available evidence is currently insufficient to determine the role of this variant in disease. Therefore, it has been classified as a Variant of Uncertain Significance.

Quest Diagnostics Nichols Institute San Juan Capistrano
Classification: Uncertain significance. Last evaluated: 2021-08-19. Review status: criteria provided, single submitter. Criteria: Quest Diagnostics criteria. Collection method: clinical testing. Allele origin: unknown.

NM_000038.6(APC):c.8204G>A (p.Gly2735Glu)

Gene: APC (APC regulator of Wnt signaling pathway; plus strand). Cytogenetic location: 5q22.2.
Variant type: single nucleotide variant.
Coding change: c.8204G>A on transcript NM_000038.6 (MANE Select); coding-DNA position 8204, G replaced by A.
Protein change: p.Gly2735Glu; replaces glycine 2735 with glutamic acid.
Molecular consequence: missense variant.
Genome position (GRCh38, 1-based): chr5:112,843,798, G>A. VCF-style: chr5-112843798-G-A. GRCh37 (hg19) VCF-style: chr5-112179495-G-A.
Other names: c.8204G>A, p.Gly2735Glu (NM_001127510.3, NM_001354895.2, NM_001407450.1); c.8150G>A, p.Gly2717Glu (NM_001127511.3); c.8258G>A, p.Gly2753Glu (NM_001354896.2, NM_001407447.1, NM_001407448.1 and 1 more transcripts); c.8234G>A, p.Gly2745Glu (NM_001354897.2); c.8129G>A, p.Gly2710Glu (NM_001354898.2); c.8120G>A, p.Gly2707Glu (NM_001354899.2); c.8081G>A, p.Gly2694Glu (NM_001354900.2); c.8027G>A, p.Gly2676Glu (NM_001354901.2, NM_001407453.1); and 11 more; short protein forms G2351E, G2452E, G2575E, G2606E, G2609E, G2634E, G2644E, G2652E.
Identifiers: ClinVar variation 1809543 (VCV001809543.5), dbSNP rs2150000949, ClinGen allele CA16039141.
Genomic context (GRCh38, chr5:112,843,798, plus strand): 5'-CCGTGGGTTTGGAAAATCGCCTGAACTCCTTTATTCAGGTGGATGCCCCTGACCAAAAAG[G>A]AACTGAGATAAAACCAGGACAAAATAATCCTGTCCCTGTATCAGAGACTAATGAAAGTTC-3'
Protein context (NP_000029.2, residues 2725-2745): FIQVDAPDQK[Gly2735Glu]TEIKPGQNNP